The following is an entry in ClinVar:

ClinVar aggregate classification (germline): Likely pathogenic (1 of 4 stars; one submission).

Conditions:
Pseudohypoparathyroidism type I A (PHP1A). Also called: Pseudohypoparathyroidism Type IA; ALBRIGHT HEREDITARY OSTEODYSTROPHY WITH MULTIPLE HORMONE RESISTANCE; PHP IA; Pseudohypoparathyroidism type 1A; Pseudohypoparathyroidism Ia (PHP-Ia). Identifiers: Orphanet 79443, MedGen C3494506, MONDO:0007078, OMIM 103580.

Submission:

MOLECULAR BIOLOGY AND HUMAN GENETICS DIVISION, THE UNIVERSITY OF BURDWAN
Classification: Likely pathogenic for Pseudohypoparathyroidism type I A. Last evaluated: 2025-11-28. Review status: criteria provided, single submitter. Criteria: ACMG Guidelines, 2015. Collection method: research. Allele origin: germline. Affected: yes. Observed: 1 variant allele.
Comment: The variant can be classified as Likely Pathogenic based on the ACMG/AMP criteria PM1, PP2, PM5, and PP3.

Literature cited by the submitters: PubMed 34614324.

NM_000516.7(GNAS):c.773G>C (p.Arg258Pro)

Gene: GNAS (GNAS complex locus; plus strand). Cytogenetic location: 20q13.32.
Variant type: single nucleotide variant.
Coding change: c.773G>C on transcript NM_000516.7 (MANE Select); coding-DNA position 773, G replaced by C.
Protein change: p.Arg258Pro; replaces arginine 258 with proline.
Molecular consequence: missense variant. On other transcripts: 3 prime UTR variant (2).
Genome position (GRCh38, 1-based): chr20:58,909,738, G>C. VCF-style: chr20-58909738-G-C. GRCh37 (hg19) VCF-style: chr20-57484793-G-C.
Other names: c.776G>C, p.Arg259Pro (NM_001077488.5); c.728G>C, p.Arg243Pro (NM_001077489.4); c.*634G>C (NM_001077490.3); c.596G>C, p.Arg199Pro (NM_001309840.2, NM_001309861.2); c.677G>C, p.Arg226Pro (NM_001410912.1); c.2657G>C, p.Arg886Pro (NM_001410913.1); c.*679G>C (NM_016592.5); c.2702G>C, p.Arg901Pro (NM_080425.4); and 1 more; short protein forms R199P, R243P, R886P, R244P, R901P, R259P, R226P, R258P.
Identifiers: ClinVar variation 3571461 (VCV003571461.1), dbSNP rs1555891584.
Genomic context (GRCh38, chr20:58,909,738, plus strand): 5'-GTTAAGATGTGACTGCCATCATCTTCGTGGTGGCCAGCAGCAGCTACAACATGGTCATCC[G>C]GGAGGACAACCAGACCAACCGCCTGCAGGAGGCTCTGAACCTCTTCAAGAGCATCTGGAA-3'
Protein context (NP_000507.1, residues 248-268): VASSSYNMVI[Arg258Pro]EDNQTNRLQE